The following is an entry in ClinVar:

ClinVar aggregate classification (germline): Uncertain significance. Review status: criteria provided, multiple submitters, no conflicts (2 of 4 stars). 3 submissions from 3 submitters: Uncertain significance (3). Last evaluated 2025-09-02.

Conditions:
Retinal arterial tortuosity. Also called: RETINAL HEMORRHAGE WITH VASCULAR TORTUOSITY; Retinal arteries, tortuosity of. Identifiers: Orphanet 75326, MedGen C0423401, MONDO:0008373, OMIM 180000, HP:0000631.
Autosomal dominant familial hematuria-retinal arteriolar tortuosity-contractures syndrome. Also called: Angiopathy, hereditary, with nephropathy, aneurysms, and muscle cramps; Hereditary Angiopathy with Nephropathy, Aneurysms, and Muscle Cramps (HANAC) Syndrome. Identifiers: Orphanet 73229, MedGen C2673195, MONDO:0012726, OMIM 611773.
Microangiopathy and leukoencephalopathy, pontine, autosomal dominant. Also called: DEMENTIA, HEREDITARY MULTI-INFARCT, SWEDISH TYPE; Pontine autosomal dominant microangiopathy with leukoencephalopathy. Identifiers: Orphanet 477749, MedGen C5231411, MONDO:0032814, OMIM 618564.
Brain small vessel disease 1 with or without ocular anomalies (BSVD1). Also called: BRAIN SMALL VESSEL DISEASE WITH HEMORRHAGE; PORENCEPHALY, TYPE 1, AUTOSOMAL DOMINANT; GOULD SYNDROME 1; Brain small vessel disease with or without ocular anomalies. Identifiers: Orphanet 2940, Orphanet 36383, Orphanet 99810, MedGen C4755307, MONDO:0008289, OMIM 175780.
Hemorrhage, intracerebral, susceptibility to (ICH). Also called: Stroke, hemorrhagic, susceptibility to. Identifiers: MedGen C3281105, MONDO:0100533, OMIM 614519.

Allele frequency attached by ClinVar (database versions not stated): ExAC 0.00001; gnomAD 0.00001; gnomAD exomes 0.00001; TOPMed 0.00001; ESP Exome Variant Server 0.00008.
gnomAD v4.1: 9 of 1,610,952 alleles (0.00056%); highest among the groups gnomAD compares: Middle Eastern, 0.017%; no homozygotes.

Submissions (3):

Labcorp Genetics (formerly Invitae), Labcorp
Classification: Uncertain significance. Last evaluated: 2025-09-02. Review status: criteria provided, single submitter. Criteria: Invitae Variant Classification Sherloc (09022015). Collection method: clinical testing. Allele origin: germline.
Comment: This sequence change replaces threonine, which is neutral and polar, with methionine, which is neutral and non-polar, at codon 1231 of the COL4A1 protein (p.Thr1231Met). The frequency data for this variant in the population databases is considered unreliable, as metrics indicate poor data quality at this position in the gnomAD database. This variant has not been reported in the literature in individuals affected with COL4A1-related conditions. ClinVar contains an entry for this variant (Variation ID: 2067449). Invitae Evidence Modeling of protein sequence and biophysical properties (such as structural, functional, and spatial information, amino acid conservation, physicochemical variation, residue mobility, and thermodynamic stability) indicates that this missense variant is not expected to disrupt COL4A1 protein function with a negative predictive value of 95%. In summary, the available evidence is currently insufficient to determine the role of this variant in disease. Therefore, it has been classified as a Variant of Uncertain Significance.

Fulgent Genetics
Classification: Uncertain significance for Brain small vessel disease 1 with or without ocular anomalies; Retinal arterial tortuosity; Autosomal dominant familial hematuria-retinal arteriolar tortuosity-contractures syndrome; Hemorrhage, intracerebral, susceptibility to; Microangiopathy and leukoencephalopathy, pontine, autosomal dominant. Last evaluated: 2024-06-18. Review status: criteria provided, single submitter. Criteria: ACMG Guidelines, 2015. Collection method: clinical testing. Allele origin: germline.

GeneDx
Classification: Uncertain significance. Last evaluated: 2023-06-08. Review status: criteria provided, single submitter. Criteria: GeneDx Variant Classification Process June 2021. Collection method: clinical testing. Allele origin: germline. Affected: yes.
Comment: Has not been previously published as pathogenic or benign to our knowledge; In silico analysis supports that this missense variant does not alter protein structure/function; Occurs in the triple helical domain within an interruption of the canonical Gly-X-Y repeat

NM_001845.6(COL4A1):c.3692C>T (p.Thr1231Met)

Gene: COL4A1 (collagen type IV alpha 1 chain; minus strand). Cytogenetic location: 13q34.
Variant type: single nucleotide variant.
Coding change: c.3692C>T on transcript NM_001845.6 (MANE Select); coding-DNA position 3692, C replaced by T.
Protein change: p.Thr1231Met; replaces threonine 1231 with methionine.
Molecular consequence: missense variant.
Genome position (GRCh38, 1-based): chr13:110,170,597, G>A on the plus strand (C>T on the coding strand, the complement: COL4A1 is on the minus strand). VCF-style: chr13-110170597-G-A. GRCh37 (hg19) VCF-style: chr13-110822944-G-A.
Other names: c.3692C>T (NM_001845.4); short protein forms T1231M.
Identifiers: ClinVar variation 2067449 (VCV002067449.6), dbSNP rs140702632, ClinGen allele CA7047176.